The following is an entry in ClinVar:

ClinVar aggregate classification (germline): Likely benign (1 of 4 stars; one submission).

Conditions:
SHANK3-related disorder. Also called: SHANK3-related condition.

Submission:

PreventionGenetics, part of Exact Sciences
Classification: Likely benign for SHANK3-related condition. Last evaluated: 2021-03-02. Review status: criteria provided, single submitter. Criteria: ACMG Guidelines, 2015. Collection method: clinical testing. Allele origin: germline.
Comment: This variant is classified as likely benign based on ACMG/AMP sequence variant interpretation guidelines (Richards et al. 2015 PMID: 25741868, with internal and published modifications).

NM_001372044.2(SHANK3):c.3648C>T (p.Pro1216=)

Gene: SHANK3 (SH3 and multiple ankyrin repeat domains 3; plus strand). Cytogenetic location: 22q13.33.
Variant type: single nucleotide variant.
Coding change: c.3648C>T on transcript NM_001372044.2 (MANE Select); coding-DNA position 3648, C replaced by T.
Protein change: p.Pro1216=; no amino-acid change (proline 1216 retained).
Molecular consequence: synonymous variant.
Genome position (GRCh38, 1-based): chr22:50,721,256, C>T. VCF-style: chr22-50721256-C-T. GRCh37 (hg19) VCF-style: chr22-51159684-C-T.
Other names: c.3423C>T, p.Pro1141= (NM_033517.1).
Identifiers: ClinVar variation 3038556 (VCV003038556.1), dbSNP rs1208216171, ClinGen allele CA515261580.